The following is an entry in ClinVar:

ClinVar aggregate classification (germline): Uncertain significance (1 of 4 stars; one submission).

Conditions:
Juvenile onset Parkinson disease 19A. Also called: DNAJC6 Parkinson Disease; PARK19. Identifiers: Orphanet 391411, MedGen C3809811, MONDO:0014231, OMIM 615528.

gnomAD v4.1: 11 of 1,536,054 alleles (0.00072%); highest among the groups gnomAD compares: African/African-American, 0.011%; no homozygotes.

Submission:

Labcorp Genetics (formerly Invitae), Labcorp
Classification: Uncertain significance for Juvenile onset Parkinson disease 19A. Last evaluated: 2022-03-30. Review status: criteria provided, single submitter. Criteria: Invitae Variant Classification Sherloc (09022015). Collection method: clinical testing. Allele origin: germline.
Comment: In summary, the available evidence is currently insufficient to determine the role of this variant in disease. Therefore, it has been classified as a Variant of Uncertain Significance. Algorithms developed to predict the effect of missense changes on protein structure and function output the following: SIFT: "Tolerated"; PolyPhen-2: "Benign"; Align-GVGD: "Class C0". The glutamine amino acid residue is found in multiple mammalian species, which suggests that this missense change does not adversely affect protein function. This variant has not been reported in the literature in individuals affected with DNAJC6-related conditions. This variant is present in population databases (no rsID available, gnomAD 0.03%). This sequence change replaces proline, which is neutral and non-polar, with glutamine, which is neutral and polar, at codon 55 of the DNAJC6 protein (p.Pro55Gln).

NM_001256864.2(DNAJC6):c.164C>A (p.Pro55Gln)

Gene: DNAJC6 (DnaJ heat shock protein family (Hsp40) member C6; plus strand). Cytogenetic location: 1p31.3.
Variant type: single nucleotide variant.
Coding change: c.164C>A on transcript NM_001256864.2 (MANE Select); coding-DNA position 164, C replaced by A.
Protein change: p.Pro55Gln; replaces proline 55 with glutamine.
Molecular consequence: missense variant. On other transcripts: intron variant (2).
Genome position (GRCh38, 1-based): chr1:65,309,909, C>A. VCF-style: chr1-65309909-C-A. GRCh37 (hg19) VCF-style: chr1-65775592-C-A.
Other names: c.-130-35702C>A (NM_001256865.2); c.22+44977C>A (NM_014787.4); short protein forms P55Q.
Identifiers: ClinVar variation 1446499 (VCV001446499.4), dbSNP rs916872480, ClinGen allele CA23912445.